The following is an entry in ClinVar:

ClinVar aggregate classification (germline): Likely benign (1 of 4 stars; one submission).

Submission:

CeGaT Center for Human Genetics Tuebingen
Classification: Likely benign. Last evaluated: 2025-01-01. Review status: criteria provided, single submitter. Criteria: CeGaT Center For Human Genetics Tuebingen Variant Classification Criteria Version 2. Collection method: clinical testing. Allele origin: germline. Affected: yes. Observed: 1 variant allele.
Comment: MYO15A: PM2:Supporting, BP4, BP7

NM_016239.4(MYO15A):c.1944G>A (p.Gln648=)

Gene: MYO15A (myosin XVA; plus strand). Cytogenetic location: 17p11.2.
Variant type: single nucleotide variant.
Coding change: c.1944G>A on transcript NM_016239.4 (MANE Select); coding-DNA position 1944, G replaced by A.
Protein change: p.Gln648=; no amino-acid change (glutamine 648 retained).
Molecular consequence: synonymous variant.
Genome position (GRCh38, 1-based): chr17:18,120,744, G>A. VCF-style: chr17-18120744-G-A. GRCh37 (hg19) VCF-style: chr17-18024058-G-A.
Identifiers: ClinVar variation 3771059 (VCV003771059.13).